The following is an entry in ClinVar:

ClinVar aggregate classification (germline): Uncertain significance (1 of 4 stars; one submission).

Conditions:
Ullrich congenital muscular dystrophy 2 (UCMD2). Identifiers: Orphanet 75840, MedGen C4225314, MONDO:0014654, OMIM 616470.
Bethlem myopathy 2 (BTHLM2). Identifiers: Orphanet 536516, Orphanet 610, MedGen C4225313, MONDO:0034022, OMIM 616471.

Allele frequency attached by ClinVar (database versions not stated): ExAC 0.00001; gnomAD 0.00001; gnomAD exomes 0.00001.
gnomAD v4.1: 12 of 1,613,780 alleles (0.00074%); highest among the groups gnomAD compares: South Asian, 0.0011%; no homozygotes.

Submission:

Labcorp Genetics (formerly Invitae), Labcorp
Classification: Uncertain significance for Bethlem myopathy 2; Ullrich congenital muscular dystrophy 2. Last evaluated: 2024-02-24. Review status: criteria provided, single submitter. Criteria: Invitae Variant Classification Sherloc (09022015). Collection method: clinical testing. Allele origin: germline.
Comment: This sequence change replaces arginine, which is basic and polar, with cysteine, which is neutral and slightly polar, at codon 1027 of the COL12A1 protein (p.Arg1027Cys). This variant is present in population databases (rs760621245, gnomAD 0.002%). This variant has not been reported in the literature in individuals affected with COL12A1-related conditions. ClinVar contains an entry for this variant (Variation ID: 1053959). Advanced modeling of protein sequence and biophysical properties (such as structural, functional, and spatial information, amino acid conservation, physicochemical variation, residue mobility, and thermodynamic stability) has been performed at Invitae for this missense variant, however the output from this modeling did not meet the statistical confidence thresholds required to predict the impact of this variant on COL12A1 protein function. In summary, the available evidence is currently insufficient to determine the role of this variant in disease. Therefore, it has been classified as a Variant of Uncertain Significance.

NM_004370.6(COL12A1):c.3079C>T (p.Arg1027Cys)

Gene: COL12A1 (collagen type XII alpha 1 chain; minus strand). Cytogenetic location: 6q13.
Variant type: single nucleotide variant.
Coding change: c.3079C>T on transcript NM_004370.6 (MANE Select); coding-DNA position 3079, C replaced by T.
Protein change: p.Arg1027Cys; replaces arginine 1027 with cysteine.
Molecular consequence: missense variant. On other transcripts: intron variant (1).
Genome position (GRCh38, 1-based): chr6:75,156,428, G>A on the plus strand (C>T on the coding strand, the complement: COL12A1 is on the minus strand). VCF-style: chr6-75156428-G-A. GRCh37 (hg19) VCF-style: chr6-75866144-G-A.
Other names: c.74-3946C>T (NM_080645.3); short protein forms R1027C.
Identifiers: ClinVar variation 1053959 (VCV001053959.11), dbSNP rs760621245, ClinGen allele CA3893806.